The following is an entry in ClinVar:

NM_024426.6(WT1):c.261_262delinsTT (p.Val88Phe)

Genes: WT1 (WT1 transcription factor; minus strand), LOC107982234 (WT1/WT1-AS bi-directional promoter region; plus strand). Cytogenetic location: 11p13.
Variant type: Indel.
Coding change: c.261_262delinsTT on transcript NM_024426.6 (MANE Select); coding-DNA positions 261 to 262, CG replaced by TT.
Protein change: p.Val88Phe; replaces valine 88 with phenylalanine.
Molecular consequence: missense variant. On other transcripts: non-coding transcript variant (1).
Genome position (GRCh38, 1-based): chr11:32,435,099-32,435,100, CG replaced by AA on the plus strand (CG replaced by TT on the coding strand, the reverse complement: WT1 is on the minus strand). VCF-style: chr11-32435099-CG-AA. GRCh37 (hg19) VCF-style: chr11-32456645-CG-AA.
Other names: c.261_262delinsTT, p.Val88Phe (NM_000378.6, NM_024424.5); c.261_262delCGinsTT, p.Val88Phe (NM_001407044.1, NM_001407045.1, NM_001407046.1 and 4 more transcripts); c.246_247delCGinsTT, p.Val83Phe (NM_024425.2); short protein forms V83F, V88F.
Identifiers: ClinVar variation 1715987 (VCV001715987.6), dbSNP rs2494485154, ClinGen allele CA2580084189.

ClinVar aggregate classification (germline): Uncertain significance (1 of 4 stars; one submission).

Conditions:
Frasier syndrome. Identifiers: Orphanet 347, MedGen C0950122, MeSH D052159, MONDO:0007635, OMIM 136680.
Drash syndrome (DDS). Also called: NEPHROPATHY, WILMS TUMOR, AND GENITAL ANOMALIES; WILMS TUMOR AND PSEUDO- OR TRUE HERMAPHRODITISM. Identifiers: Orphanet 220, MedGen C0950121, MONDO:0008682, OMIM 194080.
Wilms tumor 1 (WT1). Also called: Wilms tumor, somatic. Identifiers: Orphanet 654, MedGen CN033288, MONDO:0008679, OMIM 194070.
11p partial monosomy syndrome (WAGR). Also called: WAGR Complex; CHROMOSOME 11p13 DELETION SYNDROME; WAGR syndrome; WAGR Spectrum Disorder. Identifiers: Orphanet 893, MedGen C0206115, MONDO:0008681, OMIM 194072.

Submission:

Labcorp Genetics (formerly Invitae), Labcorp
Classification: Uncertain significance for Wilms tumor 1; Drash syndrome; 11p partial monosomy syndrome; Frasier syndrome. Last evaluated: 2022-08-09. Review status: criteria provided, single submitter. Criteria: Invitae Variant Classification Sherloc (09022015). Collection method: clinical testing. Allele origin: germline.
Comment: This sequence change replaces valine, which is neutral and non-polar, with phenylalanine, which is neutral and non-polar, at codon 83 of the WT1 protein (p.Val83Phe). Information on the frequency of this variant in the gnomAD database is not available, as this variant may be reported differently in the database. This variant has not been reported in the literature in individuals affected with WT1-related conditions. Experimental studies and prediction algorithms are not available or were not evaluated, and the functional significance of this variant is currently unknown. In summary, the available evidence is currently insufficient to determine the role of this variant in disease. Therefore, it has been classified as a Variant of Uncertain Significance.